The following is an entry in ClinVar:

NM_001032386.2(SUOX):c.483T>A (p.Asn161Lys)

Gene: SUOX (sulfite oxidase; plus strand). Cytogenetic location: 12q13.2.
Variant type: single nucleotide variant.
Coding change: c.483T>A on transcript NM_001032386.2 (MANE Select); coding-DNA position 483, T replaced by A.
Protein change: p.Asn161Lys; replaces asparagine 161 with lysine.
Molecular consequence: missense variant.
Genome position (GRCh38, 1-based): chr12:56,003,872, T>A. VCF-style: chr12-56003872-T-A. GRCh37 (hg19) VCF-style: chr12-56397656-T-A.
Other names: c.483T>A, p.Asn161Lys (NM_000456.3, NM_001032387.2); short protein forms N161K.
Identifiers: ClinVar variation 2016008 (VCV002016008.4), dbSNP rs2136511516, ClinGen allele CA385283974.
Genomic context (GRCh38, chr12:56,003,872, plus strand): 5'-TGTTCACAACCAGTCCCATGTGCGTGAGTTACTGGCTCAGTACAAGATTGGGGAGCTGAA[T>A]CCTGAAGACAAGGTAGCCCCCACCGTGGAGACCTCTGACCCTTATGCTGATGATCCTGTA-3'
Protein context (NP_001027558.1, residues 151-171): LLAQYKIGEL[Asn161Lys]PEDKVAPTVE

ClinVar aggregate classification (germline): Uncertain significance (1 of 4 stars; one submission).

Conditions:
Sulfite oxidase deficiency. Also called: Isolated sulfite oxidase deficiency. Identifiers: Orphanet 833, Orphanet 99731, MedGen C0268624, MONDO:0010089, OMIM 272300, HP:0003643.

Submission:

Labcorp Genetics (formerly Invitae), Labcorp
Classification: Uncertain significance for Sulfite oxidase deficiency. Last evaluated: 2022-07-13. Review status: criteria provided, single submitter. Criteria: Invitae Variant Classification Sherloc (09022015). Collection method: clinical testing. Allele origin: germline.
Comment: In summary, the available evidence is currently insufficient to determine the role of this variant in disease. Therefore, it has been classified as a Variant of Uncertain Significance. Algorithms developed to predict the effect of missense changes on protein structure and function (SIFT, PolyPhen-2, Align-GVGD) all suggest that this variant is likely to be tolerated. This variant has not been reported in the literature in individuals affected with SUOX-related conditions. This variant is not present in population databases (gnomAD no frequency). This sequence change replaces asparagine, which is neutral and polar, with lysine, which is basic and polar, at codon 161 of the SUOX protein (p.Asn161Lys).